The following is an entry in ClinVar:

ClinVar aggregate classification (germline): Uncertain significance (1 of 4 stars; one submission).

Submission:

Labcorp Genetics (formerly Invitae), Labcorp
Classification: Uncertain significance. Last evaluated: 2024-10-06. Review status: criteria provided, single submitter. Criteria: Invitae Variant Classification Sherloc (09022015). Collection method: clinical testing. Allele origin: germline.
Comment: This sequence change falls in intron 1 of the COX15 gene. It does not directly change the encoded amino acid sequence of the COX15 protein. It affects a nucleotide within the consensus splice site. This variant is not present in population databases (gnomAD no frequency). This variant has not been reported in the literature in individuals affected with COX15-related conditions. Variants that disrupt the consensus splice site are a relatively common cause of aberrant splicing (PMID: 17576681, 9536098). Algorithms developed to predict the effect of sequence changes on RNA splicing suggest that this variant is not likely to affect RNA splicing. In summary, the available evidence is currently insufficient to determine the role of this variant in disease. Therefore, it has been classified as a Variant of Uncertain Significance.

Literature cited by the submitters: PubMed 17576681; PubMed 9536098.

NM_078470.6(COX15):c.90+4C>G

Genes: COX15 (cytochrome c oxidase assembly factor COX15; minus strand), LOC130004506 (ATAC-STARR-seq lymphoblastoid active region 3872; plus strand). Cytogenetic location: 10q24.2.
Variant type: single nucleotide variant.
Coding change: c.90+4C>G on transcript NM_078470.6 (MANE Select); 4 bases into the intron after coding-DNA position 90, C replaced by G.
Molecular consequence: intron variant.
Genome position (GRCh38, 1-based): chr10:99,731,956, G>C on the plus strand (C>G on the coding strand, the complement: COX15 is on the minus strand). VCF-style: chr10-99731956-G-C. GRCh37 (hg19) VCF-style: chr10-101491713-G-C.
Other names: c.90+4C>G (NM_001320974.2, NM_001372026.1, NM_001372028.1 and 5 more transcripts); c.-365+4C>G (NM_001320976.2).
Identifiers: ClinVar variation 3697690 (VCV003697690.2).
Genomic context (GRCh38, chr10:99,731,956, plus strand): 5'-CTTTATCCCGGCCCTTTCACTCCATCCCCGCTCCCGCGACTCGGAGTCCGCTGCAGTGCG[G>C]TACCTGTGCTCTAGGCGCTGCCCTAGGAGCCAGGAGCGGCAGATACTGCCTCCCCTTCAA-3'